The following is an entry in ClinVar:

NM_181675.4(PPP2R2B):c.231A>C (p.Glu77Asp)

Gene: PPP2R2B (protein phosphatase 2 regulatory subunit Bbeta; minus strand). Cytogenetic location: 5q32.
Variant type: single nucleotide variant.
Coding change: c.231A>C on transcript NM_181675.4 (MANE Select); coding-DNA position 231, A replaced by C.
Protein change: p.Glu77Asp; replaces glutamic acid 77 with aspartic acid.
Molecular consequence: missense variant.
Genome position (GRCh38, 1-based): chr5:146,698,082, T>G on the plus strand (A>C on the coding strand, the complement: PPP2R2B is on the minus strand). VCF-style: chr5-146698082-T-G. GRCh37 (hg19) VCF-style: chr5-146077645-T-G.
Other names: c.249A>C, p.Glu83Asp (NM_001271899.1); c.405A>C, p.Glu135Asp (NM_001271900.2); c.198A>C, p.Glu66Asp (NM_001271948.2, NM_181678.2); c.231A>C, p.Glu77Asp (NM_001428277.1, NM_001428279.1); c.429A>C, p.Glu143Asp (NM_181674.3); c.240A>C, p.Glu80Asp (NM_181676.3); c.171A>C, p.Glu57Asp (NM_181677.2); short protein forms E135D, E143D, E57D, E66D, E77D, E80D, E83D.
Identifiers: ClinVar variation 4072602 (VCV004072602.1).

ClinVar aggregate classification (germline): Uncertain significance (1 of 4 stars; one submission).

Submission:

GeneDx
Classification: Uncertain significance. Last evaluated: 2025-01-30. Review status: criteria provided, single submitter. Criteria: GeneDx Variant Classification Process June 2021. Collection method: clinical testing. Allele origin: germline. Affected: yes.
Comment: Not observed at significant frequency in large population cohorts (gnomAD); In silico analysis supports that this missense variant has a deleterious effect on protein structure/function; Has not been previously published as pathogenic or benign to our knowledge